The following is an entry in ClinVar:

ClinVar aggregate classification (germline): Uncertain significance (1 of 4 stars; one submission).

Conditions:
Short-rib thoracic dysplasia 10 with or without polydactyly (SRTD10). Identifiers: Orphanet 474, MedGen C3810175, MONDO:0014284, OMIM 615630.
Retinitis pigmentosa 71 (RP71). Identifiers: Orphanet 791, MedGen C4225342, MONDO:0014618, OMIM 616394.

Allele frequency attached by ClinVar (database versions not stated): TOPMed below 0.00001.

Submission:

Labcorp Genetics (formerly Invitae), Labcorp
Classification: Uncertain significance for Retinitis pigmentosa 71; Short-rib thoracic dysplasia 10 with or without polydactyly. Last evaluated: 2022-04-28. Review status: criteria provided, single submitter. Criteria: Invitae Variant Classification Sherloc (09022015). Collection method: clinical testing. Allele origin: germline.
Comment: In summary, the available evidence is currently insufficient to determine the role of this variant in disease. Therefore, it has been classified as a Variant of Uncertain Significance. Algorithms developed to predict the effect of missense changes on protein structure and function are either unavailable or do not agree on the potential impact of this missense change (SIFT: "Deleterious"; PolyPhen-2: "Probably Damaging"; Align-GVGD: "Class C0"). This variant has not been reported in the literature in individuals affected with IFT172-related conditions. This variant is not present in population databases (gnomAD no frequency). This sequence change replaces alanine, which is neutral and non-polar, with proline, which is neutral and non-polar, at codon 1174 of the IFT172 protein (p.Ala1174Pro).

NM_015662.3(IFT172):c.3520G>C (p.Ala1174Pro)

Genes: IFT172 (intraflagellar transport 172; minus strand), LOC126806173 (BRD4-independent group 4 enhancer GRCh37_chr2:27676057-27677256; plus strand). Cytogenetic location: 2p23.3.
Variant type: single nucleotide variant.
Coding change: c.3520G>C on transcript NM_015662.3 (MANE Select); coding-DNA position 3520, G replaced by C.
Protein change: p.Ala1174Pro; replaces alanine 1174 with proline.
Molecular consequence: missense variant.
Genome position (GRCh38, 1-based): chr2:27,454,364, C>G on the plus strand (G>C on the coding strand, the complement: IFT172 is on the minus strand). VCF-style: chr2-27454364-C-G. GRCh37 (hg19) VCF-style: chr2-27677231-C-G.
Other names: c.3454G>C, p.Ala1152Pro (NM_001410739.1); short protein forms A1152P, A1174P.
Identifiers: ClinVar variation 2131411 (VCV002131411.4), dbSNP rs1665979258, ClinGen allele CA346378792.